The following is an entry in ClinVar:

NM_199355.4(ADAMTS18):c.274A>G (p.Asn92Asp)

Gene: ADAMTS18 (ADAM metallopeptidase with thrombospondin type 1 motif 18; minus strand). Cytogenetic location: 16q23.1.
Variant type: single nucleotide variant.
Coding change: c.274A>G on transcript NM_199355.4 (MANE Select); coding-DNA position 274, A replaced by G.
Protein change: p.Asn92Asp; replaces asparagine 92 with aspartic acid.
Molecular consequence: missense variant. On other transcripts: 5 prime UTR variant (1).
Genome position (GRCh38, 1-based): chr16:77,431,516, T>C on the plus strand (A>G on the coding strand, the complement: ADAMTS18 is on the minus strand). VCF-style: chr16-77431516-T-C. GRCh37 (hg19) VCF-style: chr16-77465413-T-C.
Other names: c.-247A>G (NM_001326358.2); short protein forms N92D.
Identifiers: ClinVar variation 1517469 (VCV001517469.6), dbSNP rs1360644340, ClinGen allele CA396851444.

ClinVar aggregate classification (germline): Uncertain significance (1 of 4 stars; one submission).

Allele frequency attached by ClinVar (database versions not stated): gnomAD exomes below 0.00001 and 0.00001; TOPMed below 0.00001.
gnomAD v4.1: 2 of 1,614,214 alleles (0.00012%); highest among the groups gnomAD compares: Admixed American, 0.0033%; no homozygotes.

Submission:

Labcorp Genetics (formerly Invitae), Labcorp
Classification: Uncertain significance. Last evaluated: 2022-07-15. Review status: criteria provided, single submitter. Criteria: Invitae Variant Classification Sherloc (09022015). Collection method: clinical testing. Allele origin: germline.
Comment: ClinVar contains an entry for this variant (Variation ID: 1517469). This sequence change replaces asparagine, which is neutral and polar, with aspartic acid, which is acidic and polar, at codon 92 of the ADAMTS18 protein (p.Asn92Asp). This variant is present in population databases (no rsID available, gnomAD 0.006%). This variant has not been reported in the literature in individuals affected with ADAMTS18-related conditions. Algorithms developed to predict the effect of missense changes on protein structure and function are either unavailable or do not agree on the potential impact of this missense change (SIFT: "Not Available"; PolyPhen-2: "Benign"; Align-GVGD: "Not Available"). In summary, the available evidence is currently insufficient to determine the role of this variant in disease. Therefore, it has been classified as a Variant of Uncertain Significance.